The following is an entry in ClinVar:

ClinVar aggregate classification (germline): Uncertain significance (1 of 4 stars; one submission).

Submission:

GeneDx
Classification: Uncertain significance. Last evaluated: 2019-05-17. Review status: criteria provided, single submitter. Criteria: GeneDx Variant Classification Process June 2021. Collection method: clinical testing. Allele origin: germline. Affected: yes.
Comment: Not observed in large population cohorts (Lek et al., 2016); In silico analysis, which includes protein predictors and evolutionary conservation, supports a deleterious effect; Has not been previously published as pathogenic or benign to our knowledge

NM_004958.4(MTOR):c.401C>T (p.Ala134Val)

Gene: MTOR (mechanistic target of rapamycin kinase; minus strand). Cytogenetic location: 1p36.22.
Variant type: single nucleotide variant.
Coding change: c.401C>T on transcript NM_004958.4 (MANE Select); coding-DNA position 401, C replaced by T.
Protein change: p.Ala134Val; replaces alanine 134 with valine.
Molecular consequence: missense variant. On other transcripts: 5 prime UTR variant (1).
Genome position (GRCh38, 1-based): chr1:11,257,036, G>A on the plus strand (C>T on the coding strand, the complement: MTOR is on the minus strand). VCF-style: chr1-11257036-G-A. GRCh37 (hg19) VCF-style: chr1-11317093-G-A.
Other names: c.401C>T, p.Ala134Val (NM_001386500.1); c.-739C>T (NM_001386501.1); short protein forms A134V.
Identifiers: ClinVar variation 1305751 (VCV001305751.2), dbSNP rs2100978459, ClinGen allele CA338403853.